The following is an entry in ClinVar:

NM_001693.4(ATP6V1B2):c.1437T>G (p.Ile479Met)

Gene: ATP6V1B2 (ATPase H+ transporting V1 subunit B2; plus strand). Cytogenetic location: 8p21.3.
Variant type: single nucleotide variant.
Coding change: c.1437T>G on transcript NM_001693.4 (MANE Select); coding-DNA position 1437, T replaced by G.
Protein change: p.Ile479Met; replaces isoleucine 479 with methionine.
Molecular consequence: missense variant.
Genome position (GRCh38, 1-based): chr8:20,220,303, T>G. VCF-style: chr8-20220303-T-G. GRCh37 (hg19) VCF-style: chr8-20077814-T-G.
Other names: short protein forms I479M.
Identifiers: ClinVar variation 930988 (VCV000930988.3), dbSNP rs2072895089, ClinGen allele CA370473895.

ClinVar aggregate classification (germline): Uncertain significance (1 of 4 stars; one submission).

Conditions:
Zimmermann-Laband syndrome 2 (ZLS2). Identifiers: Orphanet 3473, MedGen C4225321, MONDO:0014646, OMIM 616455.

Submission:

Centre for Mendelian Genomics, University Medical Centre Ljubljana
Classification: Uncertain significance for Zimmermann-Laband syndrome 2. Last evaluated: 2019-01-22. Review status: criteria provided, single submitter. Criteria: ACMG Guidelines, 2015. Collection method: clinical testing. Allele origin: unknown. Affected: yes.
Comment: This variant was classified as: Uncertain significance. The available evidence on this variant's pathogenicity is insufficient or conflicting. The following ACMG criteria were applied in classifying this variant: PM2.